The following is an entry in ClinVar:

ClinVar aggregate classification (germline): Uncertain significance. Review status: criteria provided, multiple submitters, no conflicts (2 of 4 stars). 2 submissions from 2 submitters: Uncertain significance (2). Last evaluated 2025-09-28.

Conditions:
Hermansky-Pudlak syndrome 9 (HPS9). Identifiers: Orphanet 280663, Orphanet 79430, MedGen C3280026, MONDO:0013606, OMIM 614171.
Inborn genetic diseases. Identifiers: MedGen C0950123, MeSH D030342.

Allele frequency attached by ClinVar (database versions not stated): TOPMed 0.00008; ESP Exome Variant Server 0.00015.
gnomAD v4.1: 16 of 1,585,816 alleles (0.001%); highest among the groups gnomAD compares: African/African-American, 0.013%; no homozygotes.

Submissions (2):

Ambry Genetics
Classification: Uncertain significance for Inborn genetic diseases. Last evaluated: 2025-09-28. Review status: criteria provided, single submitter. Criteria: Ambry Variant Classification Scheme 2023. Collection method: clinical testing. Allele origin: germline.

Labcorp Genetics (formerly Invitae), Labcorp
Classification: Uncertain significance for Hermansky-Pudlak syndrome 9. Last evaluated: 2022-02-05. Review status: criteria provided, single submitter. Criteria: Invitae Variant Classification Sherloc (09022015). Collection method: clinical testing. Allele origin: germline.
Comment: This sequence change replaces arginine, which is basic and polar, with tryptophan, which is neutral and slightly polar, at codon 15 of the BLOC1S6 protein (p.Arg15Trp). The frequency data for this variant in the population databases is considered unreliable, as metrics indicate poor data quality at this position in the gnomAD database. This variant has not been reported in the literature in individuals affected with BLOC1S6-related conditions. ClinVar contains an entry for this variant (Variation ID: 1027192). Algorithms developed to predict the effect of missense changes on protein structure and function are either unavailable or do not agree on the potential impact of this missense change (SIFT: "Deleterious"; PolyPhen-2: "Benign"; Align-GVGD: "Class C0"). In summary, the available evidence is currently insufficient to determine the role of this variant in disease. Therefore, it has been classified as a Variant of Uncertain Significance.

NM_012388.4(BLOC1S6):c.43C>T (p.Arg15Trp)

Gene: BLOC1S6 (biogenesis of lysosomal organelles complex 1 subunit 6; plus strand). Cytogenetic location: 15q21.1.
Variant type: single nucleotide variant.
Coding change: c.43C>T on transcript NM_012388.4 (MANE Select); coding-DNA position 43, C replaced by T.
Protein change: p.Arg15Trp; replaces arginine 15 with tryptophan.
Molecular consequence: missense variant. On other transcripts: non-coding transcript variant (5).
Genome position (GRCh38, 1-based): chr15:45,587,486, C>T. VCF-style: chr15-45587486-C-T. GRCh37 (hg19) VCF-style: chr15-45879684-C-T.
Other names: c.43C>T (NM_012388.2); short protein forms R15W.
Identifiers: ClinVar variation 1027192 (VCV001027192.7), dbSNP rs141581736, ClinGen allele CA7544220.